The following is an entry in ClinVar:

NM_000051.4(ATM):c.7422A>G (p.Leu2474=)

Genes: ATM (ATM serine/threonine kinase; plus strand), C11orf65 (chromosome 11 open reading frame 65; minus strand). Cytogenetic location: 11q22.3.
Variant type: single nucleotide variant.
Coding change: c.7422A>G on transcript NM_000051.4 (MANE Select); coding-DNA position 7422, A replaced by G.
Protein change: p.Leu2474=; no amino-acid change (leucine 2474 retained).
Molecular consequence: synonymous variant. On other transcripts: intron variant (2).
Genome position (GRCh38, 1-based): chr11:108,330,328, A>G. VCF-style: chr11-108330328-A-G. GRCh37 (hg19) VCF-style: chr11-108201055-A-G.
Other names: c.7422A>G, p.Leu2474= (NM_001351834.2); c.641-21257T>C (NM_001330368.2); c.*38+4892T>C (NM_001351110.2).
Identifiers: ClinVar variation 757170 (VCV000757170.17), dbSNP rs1591160792, ClinGen allele CA476676923.

ClinVar aggregate classification (germline): Benign/Likely benign. Review status: criteria provided, multiple submitters, no conflicts (2 of 4 stars). 4 submissions from 4 submitters: Benign (1); Likely benign (3). Last evaluated 2025-08-21.

Conditions:
Hereditary cancer-predisposing syndrome. Also called: Tumor predisposition; Hereditary neoplastic syndrome; Neoplastic Syndromes, Hereditary; Hereditary Cancer Syndrome. Identifiers: Orphanet 140162, MedGen C0027672, MeSH D009386, MONDO:0015356.
Familial cancer of breast. Also called: Hereditary breast cancer; BREAST CANCER, FAMILIAL; hereditary breast carcinoma. Identifiers: Orphanet 227535, MedGen C0346153, MONDO:0016419, OMIM 114480. Disease mechanism: loss of function.
Ataxia-telangiectasia syndrome (AT). Also called: Ataxia-telangiectasia, complementation group D; AT, COMPLEMENTATION GROUP C; ATAXIA-TELANGIECTASIA, COMPLEMENTATION GROUP A; ATAXIA-TELANGIECTASIA, FRESNO VARIANT; Ataxia-telangiectasia; LOUIS-BAR SYNDROME. Identifiers: Orphanet 100, MedGen C0004135, MONDO:0008840, OMIM 208900.

Submissions (4):

Labcorp Genetics (formerly Invitae), Labcorp
Classification: Likely benign for Ataxia-telangiectasia syndrome. Last evaluated: 2025-08-21. Review status: criteria provided, single submitter. Criteria: Invitae Variant Classification Sherloc (09022015). Collection method: clinical testing. Allele origin: germline.

ARUP Laboratories, Molecular Genetics and Genomics, ARUP Laboratories
Classification: Likely benign. Last evaluated: 2025-05-23. Review status: criteria provided, single submitter. Criteria: ARUP Molecular Germline Variant Investigation Process 2024. Collection method: clinical testing. Allele origin: germline.

Myriad Genetics, Inc.
Classification: Benign for Familial cancer of breast. Last evaluated: 2024-06-14. Review status: criteria provided, single submitter. Criteria: Myriad Autosomal Dominant, Autosomal Recessive and X-Linked Classification Criteria (2023). Collection method: clinical testing. Allele origin: unknown.
Comment: This variant is considered benign. This variant is a silent/synonymous amino acid change and it is not expected to impact splicing.

Ambry Genetics
Classification: Likely benign for Hereditary cancer-predisposing syndrome. Last evaluated: 2017-10-19. Review status: criteria provided, single submitter. Criteria: Ambry Variant Classification Scheme 2023. Collection method: clinical testing. Allele origin: germline.